The following is an entry in ClinVar:

ClinVar aggregate classification (germline): Pathogenic, low penetrance (1 of 4 stars; one submission).

Conditions:
Atypical hemolytic-uremic syndrome. Identifiers: Orphanet 2134, MedGen C2931788, MONDO:0016244.

Submission:

Genomenon, Inc
Classification: Pathogenic, low penetrance for Atypical hemolytic-uremic syndrome. Last evaluated: 2025-09-26. Review status: criteria provided, single submitter. Criteria: Genomenon Sequence Variant Interpretation Standards - Updated. Collection method: curation. Allele origin: germline. Affected: yes.
Comment: DGKE p.Ser485LeufsTer9 (c.1452del) is a frameshift variant that results in the production of a truncated protein which is predicted to undergo nonsense-mediated mRNA decay. This variant has been observed in at least one proband affected with atypical hemolytic-uremic syndrome (PMID:25135762). It is absent or not present at a significant frequency in gnomAD. In conclusion, we classify DGKE p.Ser485LeufsTer9 (c.1452del) as a pathogenic, low penetrance variant.

Literature cited by the submitters: PubMed 25135762.

NM_003647.3(DGKE):c.1452del (p.Ser485fs)

Gene: DGKE (diacylglycerol kinase epsilon; plus strand). Cytogenetic location: 17q22.
Variant type: Deletion.
Coding change: c.1452del on transcript NM_003647.3 (MANE Select); coding-DNA position 1452, one base deleted (G; older notation c.1452delG).
Protein change: p.Ser485fs; shifts the reading frame from serine 485.
Molecular consequence: frameshift variant.
Genome position (GRCh38, 1-based): chr17:56,862,179, G deleted; the last of 3 consecutive G bases (chr17:56,862,177-56,862,179); deleting any one gives the same sequence. VCF-style (leftmost placement, unchanged base first): chr17-56862176-TG-T. GRCh37 (hg19) VCF-style: chr17-54939537-TG-T.
Other names: short protein forms S485fs.
Identifiers: ClinVar variation 4280380 (VCV004280380.1).